The following is an entry in ClinVar:

ClinVar aggregate classification (germline): not provided (0 of 4 stars; one submission).

Allele frequency attached by ClinVar (database versions not stated): TOPMed 0.00013; 1000 Genomes Project 30x 0.00016.
gnomAD v4.1: 147 of 1,314,042 alleles (0.011%); highest among the groups gnomAD compares: Admixed American, 0.041%; no homozygotes.

Submission:

Human Evolutionary Genetics, Institut Pasteur
No classification provided. Review status: no classification provided. Collection method: not provided. Allele origin: germline.
ClinVar note: Converted during submission from untested to not provided.

NM_000246.4(CIITA):c.2657+107C>A

Gene: CIITA (class II major histocompatibility complex transactivator; plus strand). Cytogenetic location: 16p13.13.
Variant type: single nucleotide variant.
Coding change: c.2657+107C>A on transcript NM_000246.4 (MANE Select); 107 bases into the intron after coding-DNA position 2657, C replaced by A.
Molecular consequence: intron variant.
Genome position (GRCh38, 1-based): chr16:10,908,256, C>A. VCF-style: chr16-10908256-C-A. GRCh37 (hg19) VCF-style: chr16-11002113-C-A.
Other names: c.2660+107C>A (NM_001286402.1, NM_001379332.1); c.2513+107C>A (NM_001379330.1); c.2657+107C>A (NM_001379333.1); c.2510+107C>A (NM_001379331.1); c.860-727C>A (NM_001286403.2); c.2588+107C>A (NM_001379334.1).
Identifiers: ClinVar variation 102998 (VCV000102998.2), dbSNP rs199476073, ClinGen allele CA229974.